The following is an entry in ClinVar:

NM_001023570.4(IQCB1):c.1203C>G (p.Tyr401Ter)

Gene: IQCB1 (IQ motif containing B1; minus strand). Cytogenetic location: 3q13.33.
Variant type: single nucleotide variant.
Coding change: c.1203C>G on transcript NM_001023570.4 (MANE Select); coding-DNA position 1203, C replaced by G.
Protein change: p.Tyr401Ter; replaces tyrosine 401 with a stop codon.
Molecular consequence: nonsense. On other transcripts: non-coding transcript variant (1).
Genome position (GRCh38, 1-based): chr3:121,788,359, G>C on the plus strand (C>G on the coding strand, the complement: IQCB1 is on the minus strand). VCF-style: chr3-121788359-G-C. GRCh37 (hg19) VCF-style: chr3-121507206-G-C.
Other names: c.804C>G, p.Tyr268Ter (NM_001023571.4); c.1203C>G, p.Tyr401Ter (NM_001319107.2); short protein forms Y268*, Y401*.
Identifiers: ClinVar variation 3248971 (VCV003248971.3).
Genomic context (GRCh38, chr3:121,788,359, plus strand): 5'-GACAGCTGCTTTATACTCTATGAGAGACTGCCTCTGTTGGTGAAAATTTTTCCTTTCCCT[G>C]TACCCTCTCCAATGTTTCTGGATAATCAGTGCTGATTTCTCTTCCATTTCCCGATAGTGT-3'

ClinVar aggregate classification (germline): Likely pathogenic. Review status: criteria provided, single submitter (1 of 4 stars). 2 submissions from 2 submitters: Likely pathogenic (1). 1 of the submissions does not count toward it. Last evaluated 2024-11-07.

Conditions:
Retinal dystrophy. Also called: Inherited retinal dystrophy. Identifiers: Orphanet 71862, MedGen C0854723, MeSH D058499, MONDO:0019118, HP:0000556.
Senior-Loken syndrome 5 (SLSN5). Identifiers: Orphanet 3156, MedGen C1836517, MONDO:0012225, OMIM 609254.

Submissions (2):

Dasa
Classification: Likely pathogenic for Senior-Loken syndrome 5. Last evaluated: 2024-11-07. Review status: criteria provided, single submitter. Criteria: DASA Assertion Criteria. Collection method: clinical testing. Allele origin: germline.
Comment: NM_001023570.4(IQCB1):c.1203C>G (p.Tyr401*) is a nonsense variant in IQCB1 predicted to introduce a premature termination codon and is predicted to result in an absent or altered protein product. Loss of function is an established disease mechanism for IQCB1-associated disorders. Also, this variant is absent from population databases. Based on the currently available evidence, this variant is classified as likely pathogenic.

Institute of Human Genetics, Univ. Regensburg, Univ. Regensburg
Classification: Pathogenic for Retinal dystrophy. Last evaluated: 2022-01-01. Review status: no assertion criteria provided. Criteria: ACMG Guidelines, 2015. Collection method: clinical testing. Allele origin: germline. Affected: yes. Not counted in ClinVar's aggregate classification.